The following is an entry in ClinVar:

NM_000038.6(APC):c.1620dup (p.Gln541fs)

Gene: APC (APC regulator of Wnt signaling pathway; plus strand). Cytogenetic location: 5q22.2.
Variant type: Duplication.
Coding change: c.1620dup on transcript NM_000038.6 (MANE Select); coding-DNA position 1620, one base duplicated (A; older notation c.1620dupA).
Protein change: p.Gln541fs; shifts the reading frame from glutamine 541.
Molecular consequence: frameshift variant.
Genome position (GRCh38, 1-based): chr5:112,828,000, A duplicated. VCF-style (leftmost placement, unchanged base first): chr5-112827999-T-TA. GRCh37 (hg19) VCF-style: chr5-112163696-T-TA.
Other names: c.1620dup, p.Gln541fs (NM_001127510.3, NM_001354895.2); c.1566dup, p.Gln523fs (NM_001127511.3); c.1674dup, p.Gln559fs (NM_001354896.2); c.1650dup, p.Gln551fs (NM_001354897.2); c.1545dup, p.Gln516fs (NM_001354898.2); c.1536dup, p.Gln513fs (NM_001354899.2); c.1497dup, p.Gln500fs (NM_001354900.2); c.1443dup, p.Gln482fs (NM_001354901.2); and 6 more; short protein forms Q381fs, Q513fs, Q559fs, Q500fs, Q516fs, Q551fs, Q258fs, Q415fs.
Identifiers: ClinVar variation 429734 (VCV000429734.20), dbSNP rs1131691555, ClinGen allele CA645369321.

ClinVar aggregate classification (germline): Pathogenic. Review status: criteria provided, multiple submitters, no conflicts (2 of 4 stars). 7 submissions from 7 submitters: Pathogenic (7). Last evaluated 2026-09-03.

Conditions:
Familial adenomatous polyposis 1 (FAP1). Also called: POLYPOSIS, ADENOMATOUS INTESTINAL; FAMILIAL ADENOMATOUS POLYPOSIS 1, ATTENUATED. Identifiers: MedGen C2713442, MONDO:0021056, OMIM 175100. Disease mechanism: loss of function.
Classic or attenuated familial adenomatous polyposis. Identifiers: MedGen CN372698, MONDO:0021057.
Hereditary cancer-predisposing syndrome. Also called: Neoplastic Syndromes, Hereditary; Hereditary neoplastic syndrome; Hereditary Cancer Syndrome; Tumor predisposition. Identifiers: Orphanet 140162, MedGen C0027672, MeSH D009386, MONDO:0015356.

Allele frequency attached by ClinVar (database versions not stated): gnomAD exomes below 0.00001.

Submissions (7):

Ambry Genetics
Classification: Pathogenic for Hereditary cancer-predisposing syndrome. Last evaluated: 2026-09-03. Review status: criteria provided, single submitter. Criteria: Ambry Variant Classification Scheme 2023. Collection method: clinical testing. Allele origin: germline.
Comment: The c.1620dupA alteration, located in exon 13 (coding exon 12) of the APC gene, consists of a duplication of A at position 1620, causing a translational frameshift with a predicted alternate stop codon after amino acids. This variant is expected to result in loss of function by premature protein truncation or nonsense-mediated mRNA decay. This variant was not reported in population-based cohorts in the Genome Aggregation Database (gnomAD). This variant was reported in individuals with features consistent with APC-related familial adenomatous polyposis (FAP/AFAP) (Vandrovcov&aacute;, 2004; Lagarde, 2010; Khan, 2017; de Oliveira, 2019). Based on the available evidence, this alteration is classified as pathogenic.

Labcorp Genetics (formerly Invitae), Labcorp
Classification: Pathogenic for Familial adenomatous polyposis 1. Last evaluated: 2024-10-31. Review status: criteria provided, single submitter. Criteria: Invitae Variant Classification Sherloc (09022015). Collection method: clinical testing. Allele origin: germline.
Comment: This sequence change creates a premature translational stop signal (p.Gln541Thrfs*19) in the APC gene. It is expected to result in an absent or disrupted protein product. Loss-of-function variants in APC are known to be pathogenic (PMID: 17963004, 20685668). This variant is not present in population databases (gnomAD no frequency). This premature translational stop signal has been observed in individual(s) with familial adenomatous polyposis (PMID: 15024739, 19531215, 20685668, 22987206, 30897307). ClinVar contains an entry for this variant (Variation ID: 429734). For these reasons, this variant has been classified as Pathogenic.

All of Us Research Program, National Institutes of Health
Classification: Pathogenic for Classic or attenuated familial adenomatous polyposis. Last evaluated: 2024-08-03. Review status: criteria provided, single submitter. Criteria: ACMG Guidelines, 2015. Collection method: clinical testing. Allele origin: germline. Inheritance: Autosomal dominant inheritance. Observed: 1 variant allele, 1 heterozygote.
Comment: The c.1620dup (p.Gln541Thrfs*19) variant in the APC gene is located on the exon 13 and is predicted to cause shift of reading frame that introduces a premature translation termination codon (p.Gln541Thrfs*19), resulting in an absent or disrupted protein product. The variant has been reported in multiple individuals with familial adenomatous polyposis (PMID: 15024739, 30897307, 28533537, 19531215). Loss-of-function variants of APC are known to be pathogenic and frameshift/truncating variants located upstream and downstream to this position have been reported in individuals with familial adenomatous polyposis/colorectal cancer (PMID: 23159591, 31591141, 33769591). The variant is reported in ClinVar (ID: 429734). The variant is absent in the general population database (gnomAD). Therefore, the c.1620dup (p.Gln541Thrfs*19) variant of APC has been classified as pathogenic.

This study involves interpretation of variants in research participants for the purpose of population health screening. Participant phenotype was not available at the time of variant classification. Additional details can be found in publication PMID: 35346344, PMCID: PMC8962531

Quest Diagnostics Nichols Institute San Juan Capistrano
Classification: Pathogenic. Last evaluated: 2024-02-21. Review status: criteria provided, single submitter. Criteria: Quest Diagnostics criteria. Collection method: clinical testing. Allele origin: unknown.
Comment: The APC c.1620dup (p.Gln541Thrfs*19) variant alters the translational reading frame of the APC mRNA and causes the premature termination of APC protein synthesis. This variant has been reported in the published literature in individuals and families with familial adenomatous polyposis (FAP) (PMIDs: 30897307 (2019), 28533537 (2017), 22987206 (2013), 19531215 (2009), 15024739 (2004)). This variant has not been reported in large, multi-ethnic general populations (Genome Aggregation Database). Based on the available information, this variant is classified as pathogenic.

Myriad Genetics, Inc.
Classification: Pathogenic for Familial adenomatous polyposis 1. Last evaluated: 2023-05-02. Review status: criteria provided, single submitter. Criteria: Myriad Autosomal Dominant, Autosomal Recessive and X-Linked Classification Criteria (2023). Collection method: clinical testing. Allele origin: unknown.
Comment: This variant is considered pathogenic. This variant creates a frameshift predicted to result in premature protein truncation.

Clinical Genetics and Genomics, Karolinska University Hospital
Classification: Pathogenic. Last evaluated: 2017-09-21. Review status: criteria provided, single submitter. Criteria: ACMG Guidelines, 2015. Collection method: clinical testing. Allele origin: germline. Affected: yes. Observed: 1 variant allele.

GeneDx
Classification: Pathogenic. Last evaluated: 2015-09-01. Review status: criteria provided, single submitter. Criteria: GeneDx Variant Classification (06012015). Collection method: clinical testing. Allele origin: germline. Affected: yes.
Comment: The c.1620dupA duplication in the APC gene has been reported previously in association with FAP (Wood et al.,2007; Vandrovcova et al., 2004). The c.1620dupA variant causes a frameshift starting with codon Glutamine 541, changes this amino acid to a Threonine residue and creates a premature Stop codon at position 19 of the new reading frame, denoted p.Gln541ThrfsX19. This duplication is predicted to cause loss of normal protein function either through protein truncation or nonsense-mediated mRNA decay. Therefore, we interpret c.1620dupA as a pathogenic variant.

Literature cited by the submitters: PubMed 15024739 (cited by 4 submitters); PubMed 20685668 (cited by Ambry Genetics and Labcorp Genetics (formerly Invitae), Labcorp); PubMed 28533537 (cited by 3 submitters); PubMed 30897307 (cited by 4 submitters); PubMed 17963004 (cited by Labcorp Genetics (formerly Invitae), Labcorp); PubMed 19531215 (cited by 3 submitters); PubMed 22987206 (cited by Labcorp Genetics (formerly Invitae), Labcorp and Quest Diagnostics Nichols Institute San Juan Capistrano); PubMed 23159591 (cited by All of Us Research Program, National Institutes of Health); PubMed 31591141 (cited by All of Us Research Program, National Institutes of Health); PubMed 33769591 (cited by All of Us Research Program, National Institutes of Health).